The following is an entry in ClinVar:

ClinVar aggregate classification (germline): Uncertain significance (1 of 4 stars; one submission).

Submission:

Labcorp Genetics (formerly Invitae), Labcorp
Classification: Uncertain significance. Last evaluated: 2024-06-06. Review status: criteria provided, single submitter. Criteria: Invitae Variant Classification Sherloc (09022015). Collection method: clinical testing. Allele origin: germline.
Comment: This sequence change replaces leucine, which is neutral and non-polar, with glutamine, which is neutral and polar, at codon 550 of the POLR1A protein (p.Leu550Gln). This variant is not present in population databases (gnomAD no frequency). This variant has not been reported in the literature in individuals affected with POLR1A-related conditions. Advanced modeling of protein sequence and biophysical properties (such as structural, functional, and spatial information, amino acid conservation, physicochemical variation, residue mobility, and thermodynamic stability) performed at Invitae indicates that this missense variant is expected to disrupt POLR1A protein function with a positive predictive value of 80%. In summary, the available evidence is currently insufficient to determine the role of this variant in disease. Therefore, it has been classified as a Variant of Uncertain Significance.

NM_015425.6(POLR1A):c.1649T>A (p.Leu550Gln)

Genes: POLR1A (RNA polymerase I subunit A; minus strand), LOC126806264 (MED14-independent group 3 enhancer GRCh37_chr2:86296595-86297794; plus strand). Cytogenetic location: 2p11.2.
Variant type: single nucleotide variant.
Coding change: c.1649T>A on transcript NM_015425.6 (MANE Select); coding-DNA position 1649, T replaced by A.
Protein change: p.Leu550Gln; replaces leucine 550 with glutamine.
Molecular consequence: missense variant.
Genome position (GRCh38, 1-based): chr2:86,070,235, A>T on the plus strand (T>A on the coding strand, the complement: POLR1A is on the minus strand). VCF-style: chr2-86070235-A-T. GRCh37 (hg19) VCF-style: chr2-86297358-A-T.
Other names: short protein forms L550Q.
Identifiers: ClinVar variation 3655818 (VCV003655818.2).
Genomic context (GRCh38, chr2:86,070,235, plus strand): 5'-GGCAGGATGCGGGCACGGTGGGCCTGGATGGAGGGTCTGTGCAGTGTGGGCTGTCGGTTC[A>T]GTAGCAGAATGTCCCCATTCTTCACATGCCGGCACACCTGGGAACAGAGTGGACAGGTGG-3'
Protein context (NP_056240.2, residues 540-560): RHVKNGDILL[Leu550Gln]NRQPTLHRPS